The following is an entry in ClinVar:

ClinVar aggregate classification (germline): Uncertain significance. Review status: criteria provided, multiple submitters, no conflicts (2 of 4 stars). 2 submissions from 2 submitters: Uncertain significance (2). Last evaluated 2025-12-20.

Conditions:
Pheochromocytoma. Also called: MAX-Related Hereditary Paraganglioma-Pheochromocytoma Syndrome. Identifiers: Orphanet 29072, MedGen C0031511, MONDO:0008233, OMIM 171300, HP:0002666.
Paragangliomas with sensorineural hearing loss. Identifiers: MedGen C1868633.
Carney-Stratakis syndrome. Also called: PARAGANGLIOMA AND GASTROINTESTINAL STROMAL TUMOR. Identifiers: Orphanet 97286, MedGen C1847319, MONDO:0011740, OMIM 606864.
Cowden syndrome 3 (CWS3). Identifiers: Orphanet 201, MedGen CN166604, MONDO:0014045.
Hereditary cancer-predisposing syndrome. Also called: Neoplastic Syndromes, Hereditary; Hereditary Cancer Syndrome; Tumor predisposition; Hereditary neoplastic syndrome. Identifiers: Orphanet 140162, MedGen C0027672, MeSH D009386, MONDO:0015356.

Submissions (2):

Labcorp Genetics (formerly Invitae), Labcorp
Classification: Uncertain significance for Carney-Stratakis syndrome; Paragangliomas with sensorineural hearing loss; Pheochromocytoma; Cowden syndrome 3. Last evaluated: 2025-12-20. Review status: criteria provided, single submitter. Criteria: Invitae Variant Classification Sherloc (09022015). Collection method: clinical testing. Allele origin: germline.
Comment: This sequence change replaces histidine, which is basic and polar, with leucine, which is neutral and non-polar, at codon 55 of the SDHD protein (p.His55Leu). This variant is not present in population databases (gnomAD no frequency). This variant has not been reported in the literature in individuals affected with SDHD-related conditions. ClinVar contains an entry for this variant (Variation ID: 945817). Invitae Evidence Modeling of protein sequence and biophysical properties (such as structural, functional, and spatial information, amino acid conservation, physicochemical variation, residue mobility, and thermodynamic stability) indicates that this missense variant is not expected to disrupt SDHD protein function with a negative predictive value of 95%. In summary, the available evidence is currently insufficient to determine the role of this variant in disease. Therefore, it has been classified as a Variant of Uncertain Significance.

Ambry Genetics
Classification: Uncertain significance for Hereditary cancer-predisposing syndrome. Last evaluated: 2020-09-23. Review status: criteria provided, single submitter. Criteria: Ambry Variant Classification Scheme 2023. Collection method: clinical testing. Allele origin: germline.
Comment: The p.H55L variant (also known as c.164A>T), located in coding exon 2 of the SDHD gene, results from an A to T substitution at nucleotide position 164. The histidine at codon 55 is replaced by leucine, an amino acid with similar properties. This amino acid position is poorly conserved in available vertebrate species. In addition, the in silico prediction for this alteration is inconclusive. Since supporting evidence is limited at this time, the clinical significance of this alteration remains unclear.

NM_003002.4(SDHD):c.164A>T (p.His55Leu)

Gene: SDHD (succinate dehydrogenase complex subunit D; plus strand). Cytogenetic location: 11q23.1.
Variant type: single nucleotide variant.
Coding change: c.164A>T on transcript NM_003002.4 (MANE Select); coding-DNA position 164, A replaced by T.
Protein change: p.His55Leu; replaces histidine 55 with leucine.
Molecular consequence: missense variant. On other transcripts: non-coding transcript variant (1), intron variant (1).
Genome position (GRCh38, 1-based): chr11:112,087,968, A>T. VCF-style: chr11-112087968-A-T. GRCh37 (hg19) VCF-style: chr11-111958692-A-T.
Other names: c.164A>T, p.His55Leu (NM_001276503.2, NM_001276506.2); c.53-899A>T (NM_001276504.2); short protein forms H55L.
Identifiers: ClinVar variation 945817 (VCV000945817.13), dbSNP rs1865656869, ClinGen allele CA382617124.
Genomic context (GRCh38, chr11:112,087,968, plus strand): 5'-TTCAGGACCGACCTATCCCAGAATGGTGTGGAGTGCAGCACATACACTTGTCACCGAGCC[A>T]CCATTGTATGTTCTCTCCATCGCTGCTGCTTTCTGGGCTCTAGCCATCTTTACCTTCACT-3'
Protein context (NP_002993.1, residues 45-65): GVQHIHLSPS[His55Leu]HSGSKAASLH